The following is an entry in ClinVar:

ClinVar aggregate classification (germline): Pathogenic (1 of 4 stars; one submission).

Submission:

Labcorp Genetics (formerly Invitae), Labcorp
Classification: Pathogenic. Last evaluated: 2025-07-18. Review status: criteria provided, single submitter. Criteria: Invitae Variant Classification Sherloc (09022015). Collection method: clinical testing. Allele origin: germline.
Comment: This sequence change creates a premature translational stop signal (p.Arg1529*) in the PCLO gene. It is expected to result in an absent or disrupted protein product. Loss-of-function variants in PCLO are known to be pathogenic (PMID: 25832664, 30287594). This variant is not present in population databases (gnomAD no frequency). This variant has not been reported in the literature in individuals affected with PCLO-related conditions. ClinVar contains an entry for this variant (Variation ID: 3007331). For these reasons, this variant has been classified as Pathogenic.

Literature cited by the submitters: PubMed 25832664; PubMed 30287594.

NM_033026.6(PCLO):c.4585C>T (p.Arg1529Ter)

Gene: PCLO (piccolo presynaptic cytomatrix protein; minus strand). Cytogenetic location: 7q21.11.
Variant type: single nucleotide variant.
Coding change: c.4585C>T on transcript NM_033026.6 (MANE Select); coding-DNA position 4585, C replaced by T.
Protein change: p.Arg1529Ter; replaces arginine 1529 with a stop codon.
Molecular consequence: nonsense.
Genome position (GRCh38, 1-based): chr7:82,956,368, G>A on the plus strand (C>T on the coding strand, the complement: PCLO is on the minus strand). VCF-style: chr7-82956368-G-A. GRCh37 (hg19) VCF-style: chr7-82585684-G-A.
Other names: c.4585C>T, p.Arg1529Ter (NM_014510.3); short protein forms R1529*.
Identifiers: ClinVar variation 3007331 (VCV003007331.3), dbSNP rs2535711117, ClinGen allele CA367926440.
Genomic context (GRCh38, chr7:82,956,368, plus strand): 5'-ATCCTTGGCTGTCTTCCTGTTTATACTCATCACTGCTTGATGAGCCAACACTAGTTCTTC[G>A]TTTTCTTTGTGGAACAGGTGAGTTTTCACTTTCACTACTCTCTTCAACTGAATCATAAGG-3'